The following is an entry in ClinVar:

ClinVar aggregate classification (germline): Pathogenic (1 of 4 stars; one submission).

Allele frequency attached by ClinVar (database versions not stated): TOPMed below 0.00001; gnomAD 0.00001.
gnomAD v4.1: 43 of 1,612,908 alleles (0.0027%); highest among the groups gnomAD compares: Non-Finnish European, 0.0036%; no homozygotes.

Submission:

Labcorp Genetics (formerly Invitae), Labcorp
Classification: Pathogenic. Last evaluated: 2024-02-01. Review status: criteria provided, single submitter. Criteria: Invitae Variant Classification Sherloc (09022015). Collection method: clinical testing. Allele origin: germline.
Comment: This sequence change creates a premature translational stop signal (p.Tyr1019*) in the TTC37 gene. It is expected to result in an absent or disrupted protein product. Loss-of-function variants in TTC37 are known to be pathogenic (PMID: 20176027, 21120949). This variant is present in population databases (rs201249919, gnomAD 0.003%). This variant has not been reported in the literature in individuals affected with TTC37-related conditions. For these reasons, this variant has been classified as Pathogenic.

Literature cited by the submitters: PubMed 20176027; PubMed 21120949.

NM_014639.4(SKIC3):c.3057C>A (p.Tyr1019Ter)

Gene: SKIC3 (SKI3 subunit of superkiller complex; minus strand). Cytogenetic location: 5q15.
Variant type: single nucleotide variant.
Coding change: c.3057C>A on transcript NM_014639.4 (MANE Select); coding-DNA position 3057, C replaced by A.
Protein change: p.Tyr1019Ter; replaces tyrosine 1019 with a stop codon.
Molecular consequence: nonsense.
Genome position (GRCh38, 1-based): chr5:95,506,969, G>T on the plus strand (C>A on the coding strand, the complement: SKIC3 is on the minus strand). VCF-style: chr5-95506969-G-T. GRCh37 (hg19) VCF-style: chr5-94842673-G-T.
Other names: short protein forms Y1019*.
Identifiers: ClinVar variation 2967339 (VCV002967339.3), dbSNP rs201249919, ClinGen allele CA122844208.